The following is an entry in ClinVar:

ClinVar aggregate classification (germline): Uncertain significance (1 of 4 stars; one submission).

Conditions:
Ataxia-telangiectasia syndrome (AT). Also called: Ataxia-telangiectasia, complementation group D; Ataxia telangiectasia (A-T); Cerebello-oculocutaneous telangiectasia; Immunodeficiency with ataxia telangiectasia; ATAXIA-TELANGIECTASIA, COMPLEMENTATION GROUP A; ATAXIA-TELANGIECTASIA, FRESNO VARIANT. Identifiers: Orphanet 100, MedGen C0004135, MONDO:0008840, OMIM 208900.

Submission:

Labcorp Genetics (formerly Invitae), Labcorp
Classification: Uncertain significance for Ataxia-telangiectasia syndrome. Last evaluated: 2021-11-12. Review status: criteria provided, single submitter. Criteria: Invitae Variant Classification Sherloc (09022015). Collection method: clinical testing. Allele origin: germline.
Comment: In summary, the available evidence is currently insufficient to determine the role of this variant in disease. Therefore, it has been classified as a Variant of Uncertain Significance. Advanced modeling of protein sequence and biophysical properties (such as structural, functional, and spatial information, amino acid conservation, physicochemical variation, residue mobility, and thermodynamic stability) performed at Invitae indicates that this missense variant is not expected to disrupt ATM protein function. This variant has not been reported in the literature in individuals affected with ATM-related conditions. This variant is not present in population databases (gnomAD no frequency). This sequence change replaces valine, which is neutral and non-polar, with isoleucine, which is neutral and non-polar, at codon 1600 of the ATM protein (p.Val1600Ile).

NM_000051.4(ATM):c.4798G>A (p.Val1600Ile)

Gene: ATM (ATM serine/threonine kinase; plus strand). Cytogenetic location: 11q22.3.
Variant type: single nucleotide variant.
Coding change: c.4798G>A on transcript NM_000051.4 (MANE Select); coding-DNA position 4798, G replaced by A.
Protein change: p.Val1600Ile; replaces valine 1600 with isoleucine.
Molecular consequence: missense variant.
Genome position (GRCh38, 1-based): chr11:108,294,948, G>A. VCF-style: chr11-108294948-G-A. GRCh37 (hg19) VCF-style: chr11-108165675-G-A.
Other names: c.4798G>A, p.Val1600Ile (NM_001351834.2); short protein forms V1600I.
Identifiers: ClinVar variation 1392813 (VCV001392813.6), dbSNP rs2135834139, ClinGen allele CA382536390.